The following is an entry in ClinVar:

NM_015047.3(EMC1):c.44T>C (p.Leu15Pro)

Gene: EMC1 (ER membrane protein complex subunit 1; minus strand). Cytogenetic location: 1p36.13.
Variant type: single nucleotide variant.
Coding change: c.44T>C on transcript NM_015047.3 (MANE Select); coding-DNA position 44, T replaced by C.
Protein change: p.Leu15Pro; replaces leucine 15 with proline.
Molecular consequence: missense variant.
Genome position (GRCh38, 1-based): chr1:19,251,466, A>G on the plus strand (T>C on the coding strand, the complement: EMC1 is on the minus strand). VCF-style: chr1-19251466-A-G. GRCh37 (hg19) VCF-style: chr1-19577960-A-G.
Other names: c.44T>C, p.Leu15Pro (NM_001271427.2, NM_001271428.2, NM_001271429.2 and 2 more transcripts); short protein forms L15P.
Identifiers: ClinVar variation 1719553 (VCV001719553.5), dbSNP rs2536850254, ClinGen allele CA338775802.
Genomic context (GRCh38, chr1:19,251,466, plus strand): 5'-CGTACGCACCAATCAAACTTGCCCACTTGGTCTTCGTAGACCGCGGCCGCAGGAATCAGC[A>G]GCGTAGCCCAAAGCCAGAAACGAGAAGCCCACTCAGCCGCCATGATGCGAGCGCATGCAC-3'
Protein context (NP_055862.1, residues 5-25): WASRFWLWAT[Leu15Pro]LIPAAAVYED

ClinVar aggregate classification (germline): Uncertain significance (1 of 4 stars; one submission).

gnomAD v4.1: 1 of 1,614,178 alleles (0.000062%); highest among the groups gnomAD compares: Non-Finnish European, 0.000085%; no homozygotes.

Submission:

Labcorp Genetics (formerly Invitae), Labcorp
Classification: Uncertain significance. Last evaluated: 2022-09-15. Review status: criteria provided, single submitter. Criteria: Invitae Variant Classification Sherloc (09022015). Collection method: clinical testing. Allele origin: germline.
Comment: This variant is not present in population databases (gnomAD no frequency). This variant has not been reported in the literature in individuals affected with EMC1-related conditions. Advanced modeling of protein sequence and biophysical properties (such as structural, functional, and spatial information, amino acid conservation, physicochemical variation, residue mobility, and thermodynamic stability) performed at Invitae indicates that this missense variant is expected to disrupt EMC1 protein function. In summary, the available evidence is currently insufficient to determine the role of this variant in disease. Therefore, it has been classified as a Variant of Uncertain Significance. This sequence change replaces leucine, which is neutral and non-polar, with proline, which is neutral and non-polar, at codon 15 of the EMC1 protein (p.Leu15Pro).